The following is an entry in ClinVar:

NM_001040142.2(SCN2A):c.3520+327A>C

Gene: SCN2A (sodium voltage-gated channel alpha subunit 2; plus strand). Cytogenetic location: 2q24.3.
Variant type: single nucleotide variant.
Coding change: c.3520+327A>C on transcript NM_001040142.2 (MANE Select); 327 bases into the intron after coding-DNA position 3520, A replaced by C.
Molecular consequence: intron variant.
Genome position (GRCh38, 1-based): chr2:165,365,590, A>C. VCF-style: chr2-165365590-A-C. GRCh37 (hg19) VCF-style: chr2-166222100-A-C.
Other names: c.3520+327A>C (NM_001040143.2, NM_001371246.1, NM_001371247.1 and 1 more transcripts).
Identifiers: ClinVar variation 672645 (VCV000672645.1), dbSNP rs138897712, ClinGen allele CA59731048.

ClinVar aggregate classification (germline): Likely benign (1 of 4 stars; one submission).

Allele frequency attached by ClinVar (database versions not stated): gnomAD 0.00451 and 0.00478; TOPMed 0.00524; 1000 Genomes Project 0.00579; 1000 Genomes Project 30x 0.00609.
gnomAD v4.1: 677 of 152,268 alleles (0.44%); highest among the groups gnomAD compares: African/African-American, 1.6%; 3 homozygotes.

Submission:

GeneDx
Classification: Likely benign. Last evaluated: 2018-06-14. Review status: criteria provided, single submitter. Criteria: GeneDx Variant Classification (06012015). Collection method: clinical testing. Allele origin: germline. Affected: yes.
Comment: This variant is considered likely benign or benign based on one or more of the following criteria: it is a conservative change, it occurs at a poorly conserved position in the protein, it is predicted to be benign by multiple in silico algorithms, and/or has population frequency not consistent with disease.